The following is an entry in ClinVar:

ClinVar aggregate classification (germline): Pathogenic. Review status: criteria provided, multiple submitters, no conflicts (2 of 4 stars). 2 submissions from 2 submitters: Pathogenic (2). Last evaluated 2024-01-18.

Conditions:
ADAMTSL4-related disorder. Also called: ADAMTSL4-related condition; ADAMTSL4-Related Disorders.

gnomAD v4.1: 13 of 1,611,928 alleles (0.00081%); highest among the groups gnomAD compares: Non-Finnish European, 0.0011%; no homozygotes.

Submissions (2):

Labcorp Genetics (formerly Invitae), Labcorp
Classification: Pathogenic. Last evaluated: 2024-01-18. Review status: criteria provided, single submitter. Criteria: Invitae Variant Classification Sherloc (09022015). Collection method: clinical testing. Allele origin: germline.
Comment: This sequence change creates a premature translational stop signal (p.Arg309*) in the ADAMTSL4 gene. It is expected to result in an absent or disrupted protein product. Loss-of-function variants in ADAMTSL4 are known to be pathogenic (PMID: 20564469, 28642162). This variant is not present in population databases (gnomAD no frequency). This premature translational stop signal has been observed in individuals with ectopia lentis (PMID: 22736615, 28642162). For these reasons, this variant has been classified as Pathogenic.

Blueprint Genetics
Classification: Pathogenic for ADAMTSL4-related disorders. Last evaluated: 2021-02-08. Review status: criteria provided, single submitter. Criteria: ACMG Guidelines, 2015. Collection method: clinical testing. Allele origin: germline. Affected: yes. Observed: 1 variant allele.

Literature cited by the submitters: PubMed 20564469 (cited by Labcorp Genetics (formerly Invitae), Labcorp); PubMed 28642162 (cited by Labcorp Genetics (formerly Invitae), Labcorp); PubMed 22736615 (cited by Labcorp Genetics (formerly Invitae), Labcorp).

NM_019032.6(ADAMTSL4):c.925C>T (p.Arg309Ter)

Genes: ADAMTSL4 (ADAMTS like 4; plus strand), ADAMTSL4-AS2 (ADAMTSL4 antisense RNA 2; minus strand). Cytogenetic location: 1q21.2.
Variant type: single nucleotide variant.
Coding change: c.925C>T on transcript NM_019032.6 (MANE Select); coding-DNA position 925, C replaced by T.
Protein change: p.Arg309Ter; replaces arginine 309 with a stop codon.
Molecular consequence: nonsense.
Genome position (GRCh38, 1-based): chr1:150,553,916, C>T. VCF-style: chr1-150553916-C-T. GRCh37 (hg19) VCF-style: chr1-150526392-C-T.
Other names: c.925C>T, p.Arg309Ter (NM_001288607.2, NM_001288608.2, NM_001378596.1 and 1 more transcripts); short protein forms R309*.
Identifiers: ClinVar variation 2733980 (VCV002733980.4), dbSNP rs1221453238, ClinGen allele CA342302824.